The following is an entry in ClinVar:

ClinVar aggregate classification (germline): Uncertain significance (1 of 4 stars; one submission).

Conditions:
Galactosylceramide beta-galactosidase deficiency. Also called: GALACTOCEREBROSIDASE DEFICIENCY; GALC DEFICIENCY; GLOBOID CELL LEUKOENCEPHALOPATHY; Krabbe Disease; Leukodystrophy, Globoid Cell. Identifiers: Orphanet 487, MedGen C0023521, MONDO:0009499, OMIM 245200.

Allele frequency attached by ClinVar (database versions not stated): gnomAD exomes 0.00001; ExAC 0.00002; gnomAD 0.00002; TOPMed 0.00003.
gnomAD v4.1: 21 of 1,598,776 alleles (0.0013%); highest among the groups gnomAD compares: East Asian, 0.0067%; no homozygotes.

Submission:

Labcorp Genetics (formerly Invitae), Labcorp
Classification: Uncertain significance for Galactosylceramide beta-galactosidase deficiency. Last evaluated: 2025-11-24. Review status: criteria provided, single submitter. Criteria: Invitae Variant Classification Sherloc (09022015). Collection method: clinical testing. Allele origin: germline.
Comment: This sequence change replaces glutamic acid, which is acidic and polar, with lysine, which is basic and polar, at codon 435 of the GALC protein (p.Glu435Lys). This variant is present in population databases (rs772456068, gnomAD 0.007%). This variant has not been reported in the literature in individuals affected with GALC-related conditions. ClinVar contains an entry for this variant (Variation ID: 2201891). Invitae Evidence Modeling of protein sequence and biophysical properties (such as structural, functional, and spatial information, amino acid conservation, physicochemical variation, residue mobility, and thermodynamic stability) indicates that this missense variant is not expected to disrupt GALC protein function with a negative predictive value of 95%. In summary, the available evidence is currently insufficient to determine the role of this variant in disease. Therefore, it has been classified as a Variant of Uncertain Significance.

NM_000153.4(GALC):c.1303G>A (p.Glu435Lys)

Gene: GALC (galactosylceramidase; minus strand). Cytogenetic location: 14q31.3.
Variant type: single nucleotide variant.
Coding change: c.1303G>A on transcript NM_000153.4 (MANE Select); coding-DNA position 1303, G replaced by A.
Protein change: p.Glu435Lys; replaces glutamic acid 435 with lysine.
Molecular consequence: missense variant.
Genome position (GRCh38, 1-based): chr14:87,949,880, C>T on the plus strand (G>A on the coding strand, the complement: GALC is on the minus strand). VCF-style: chr14-87949880-C-T. GRCh37 (hg19) VCF-style: chr14-88416224-C-T.
Other names: c.1234G>A, p.Glu412Lys (NM_001201401.2); c.1225G>A, p.Glu409Lys (NM_001201402.2); short protein forms E412K, E435K, E409K.
Identifiers: ClinVar variation 2201891 (VCV002201891.3), dbSNP rs772456068, ClinGen allele CA7297057.
Genomic context (GRCh38, chr14:87,949,880, plus strand): 5'-ATATAAGAATTTACTTTAAAATTACCCATAGAGAATCCAGCTGCTTAAAAAGAAATCTTT[C>T]GGATGTTTTTCCAAGTTTGGTATACCATACCTGTAGCTCTGGTATTTCACTCTGTAAAGA-3'
Protein context (NP_000144.2, residues 425-445): VWYTKLGKTS[Glu435Lys]RFLFKQLDSL